The following is an entry in ClinVar:

ClinVar aggregate classification (germline): Uncertain significance (1 of 4 stars; one submission).

Allele frequency attached by ClinVar (database versions not stated): gnomAD exomes below 0.00001; TOPMed below 0.00001; gnomAD 0.00001.
gnomAD v4.1: 3 of 1,613,032 alleles (0.00019%); highest among the groups gnomAD compares: Non-Finnish European, 0.00025%; no homozygotes.

Submission:

CeGaT Center for Human Genetics Tuebingen
Classification: Uncertain significance. Last evaluated: 2023-05-01. Review status: criteria provided, single submitter. Criteria: CeGaT Center For Human Genetics Tuebingen Variant Classification Criteria Version 2. Collection method: clinical testing. Allele origin: germline. Affected: yes. Observed: 1 variant allele.
Comment: TTN: PM2, BP4

NM_001267550.2(TTN):c.11311+4936A>G

Genes: TTN (titin; minus strand), LOC126806432 (CDK7 strongly-dependent group 2 enhancer GRCh37_chr2:179611985-179613184; plus strand). Cytogenetic location: 2q31.2.
Variant type: single nucleotide variant.
Coding change: c.11311+4936A>G on transcript NM_001267550.2 (MANE Select); 4936 bases into the intron after coding-DNA position 11311, A replaced by G.
Molecular consequence: intron variant. On other transcripts: missense variant (1).
Genome position (GRCh38, 1-based): chr2:178,748,188, T>C on the plus strand (A>G on the coding strand, the complement: TTN is on the minus strand). VCF-style: chr2-178748188-T-C. GRCh37 (hg19) VCF-style: chr2-179612915-T-C.
Other names: c.14212A>G, p.Thr4738Ala (NM_133379.5); c.10222+4936A>G (NM_003319.4); c.10798+4936A>G (NM_133437.4); c.10597+4936A>G (NM_133432.3); c.10360+4936A>G (NM_133378.4, NM_001256850.1); short protein forms T4738A.
Identifiers: ClinVar variation 2651702 (VCV002651702.24), dbSNP rs2084228974, ClinGen allele CA349642348.